The following is an entry in ClinVar:

ClinVar aggregate classification (germline): Uncertain significance (1 of 4 stars; one submission).

Conditions:
Congenital contractural arachnodactyly (CCA). Also called: BEALS SYNDROME; Arthrogryposis, distal, type 9; Beals-Hecht syndrome. Identifiers: Orphanet 115, MedGen C0220668, MONDO:0007363, OMIM 121050.

Allele frequency attached by ClinVar (database versions not stated): gnomAD exomes below 0.00001.
gnomAD v4.1: 1 of 1,614,066 alleles (0.000062%); highest among the groups gnomAD compares: Admixed American, 0.0017%; no homozygotes.

Submission:

Labcorp Genetics (formerly Invitae), Labcorp
Classification: Uncertain significance for Congenital contractural arachnodactyly. Last evaluated: 2017-04-16. Review status: criteria provided, single submitter. Criteria: Invitae Variant Classification Sherloc (09022015). Collection method: clinical testing. Allele origin: germline.
Comment: This sequence change replaces threonine with alanine at codon 2278 of the FBN2 protein (p.Thr2278Ala). The threonine residue is highly conserved and there is a small physicochemical difference between threonine and alanine. In summary, this variant is a novel missense change with uncertain impact on protein function. It has been classified as a Variant of Uncertain Significance. This variant is not present in population databases (ExAC no frequency) and has not been reported in the literature in individuals with a FBN2-related disease. Algorithms developed to predict the effect of missense changes on protein structure and function (SIFT, PolyPhen-2, Align-GVGD) all suggest that this variant is likely to be disruptive, but these predictions have not been confirmed by published functional studies.

NM_001999.4(FBN2):c.6832A>G (p.Thr2278Ala)

Gene: FBN2 (fibrillin 2; minus strand). Cytogenetic location: 5q23.3.
Variant type: single nucleotide variant.
Coding change: c.6832A>G on transcript NM_001999.4 (MANE Select); coding-DNA position 6832, A replaced by G.
Protein change: p.Thr2278Ala; replaces threonine 2278 with alanine.
Molecular consequence: missense variant.
Genome position (GRCh38, 1-based): chr5:128,287,356, T>C on the plus strand (A>G on the coding strand, the complement: FBN2 is on the minus strand). VCF-style: chr5-128287356-T-C. GRCh37 (hg19) VCF-style: chr5-127623048-T-C.
Other names: short protein forms T2278A.
Identifiers: ClinVar variation 411811 (VCV000411811.11), dbSNP rs1060503500, ClinGen allele CA16611706.
Genomic context (GRCh38, chr5:128,287,356, plus strand): 5'-CTGAGGCCTTACCTTTGCACATCTTTTGATCTTCCCTGAGGGCATAGCCAATCGGGCACG[T>C]GCATTCATAGGACCCAAAAGTGTTCATGCAGCGGAAAGCACACAGCAGTGGGTTCTGGGC-3'
Protein context (NP_001990.2, residues 2268-2288): CMNTFGSYEC[Thr2278Ala]CPIGYALRED